The following is an entry in ClinVar:

ClinVar aggregate classification (germline): Uncertain significance. Review status: criteria provided, multiple submitters, no conflicts (2 of 4 stars). 2 submissions from 2 submitters: Uncertain significance (2). Last evaluated 2022-05-03.

Conditions:
Immunodeficiency, common variable, 10. Also called: DEFICIT IN ANTERIOR PITUITARY FUNCTION AND VARIABLE IMMUNODEFICIENCY; IMMUNODEFICIENCY, COMMON VARIABLE, WITH CENTRAL ADRENAL INSUFFICIENCY. Identifiers: MedGen C3809991, MONDO:0014260, OMIM 615577.

Submissions (2):

Labcorp Genetics (formerly Invitae), Labcorp
Classification: Uncertain significance for Immunodeficiency, common variable, 10. Last evaluated: 2022-05-03. Review status: criteria provided, single submitter. Criteria: Invitae Variant Classification Sherloc (09022015). Collection method: clinical testing. Allele origin: germline.
Comment: In summary, the available evidence is currently insufficient to determine the role of this variant in disease. Therefore, it has been classified as a Variant of Uncertain Significance. Algorithms developed to predict the effect of missense changes on protein structure and function are either unavailable or do not agree on the potential impact of this missense change (SIFT: "Tolerated"; PolyPhen-2: "Probably Damaging"; Align-GVGD: "Class C0"). ClinVar contains an entry for this variant (Variation ID: 1333762). This variant has not been reported in the literature in individuals affected with NFKB2-related conditions. This variant is not present in population databases (gnomAD no frequency). This sequence change replaces proline, which is neutral and non-polar, with glutamine, which is neutral and polar, at codon 886 of the NFKB2 protein (p.Pro886Gln).

CENTOGENE GmbH and LLC - Guiding Precision Medicine
Classification: Uncertain significance for Immunodeficiency, common variable, 10. Last evaluated: 2019-12-05. Review status: criteria provided, single submitter. Criteria: ACMG Guidelines, 2015. Collection method: clinical testing. Allele origin: germline. Affected: yes.

NM_001322934.2(NFKB2):c.2657C>A (p.Pro886Gln)

Gene: NFKB2 (nuclear factor kappa B subunit 2; plus strand). Cytogenetic location: 10q24.32.
Variant type: single nucleotide variant.
Coding change: c.2657C>A on transcript NM_001322934.2 (MANE Select); coding-DNA position 2657, C replaced by A.
Protein change: p.Pro886Gln; replaces proline 886 with glutamine.
Molecular consequence: missense variant.
Genome position (GRCh38, 1-based): chr10:102,402,330, C>A. VCF-style: chr10-102402330-C-A. GRCh37 (hg19) VCF-style: chr10-104162087-C-A.
Other names: c.2657C>A, p.Pro886Gln (NM_001077494.3); c.2654C>A, p.Pro885Gln (NM_001261403.3, NM_001288724.1, NM_002502.6); c.2531C>A, p.Pro844Gln (NM_001322935.1); short protein forms P844Q, P885Q, P886Q.
Identifiers: ClinVar variation 1333762 (VCV001333762.6), dbSNP rs2135443850, ClinGen allele CA377906459.